The following is an entry in ClinVar:

NM_001365276.2(TNXB):c.8598C>T (p.Val2866=)

Gene: TNXB (tenascin XB; minus strand). Cytogenetic location: 6p21.33.
Variant type: single nucleotide variant.
Coding change: c.8598C>T on transcript NM_001365276.2 (MANE Select); coding-DNA position 8598, C replaced by T.
Protein change: p.Val2866=; no amino-acid change (valine 2866 retained).
Molecular consequence: synonymous variant.
Genome position (GRCh38, 1-based): chr6:32,053,581, G>A on the plus strand (C>T on the coding strand, the complement: TNXB is on the minus strand). VCF-style: chr6-32053581-G-A. GRCh37 (hg19) VCF-style: chr6-32021358-G-A.
Other names: p.Val2864=; c.8592C>T, p.Val2864= (NM_019105.8).
Identifiers: ClinVar variation 1264528 (VCV001264528.10), dbSNP rs141752970, ClinGen allele CA3733792.

ClinVar aggregate classification (germline): Benign. Review status: criteria provided, multiple submitters, no conflicts (2 of 4 stars). 6 submissions from 6 submitters: Benign (6). Last evaluated 2026-02-04.

Conditions:
Ehlers-Danlos syndrome (EDS). Identifiers: Orphanet 98249, MedGen C0013720, MONDO:0020066.
Cardiovascular phenotype. Identifiers: MedGen CN230736.

Allele frequency attached by ClinVar (database versions not stated): gnomAD exomes 0.00284 and 0.00623; TOPMed 0.00343; 1000 Genomes Project 30x 0.01280; gnomAD 0.00300 and 0.00202; 1000 Genomes Project 0.01398; ExAC 0.00612.
gnomAD v4.1: 4,704 of 1,613,570 alleles (0.29%); highest among the groups gnomAD compares: East Asian, 7.3%; 149 homozygotes.

Submissions (6):

Labcorp Genetics (formerly Invitae), Labcorp
Classification: Benign. Last evaluated: 2026-02-04. Review status: criteria provided, single submitter. Criteria: Invitae Variant Classification Sherloc (09022015). Collection method: clinical testing. Allele origin: germline.

Women's Health and Genetics/Laboratory Corporation of America, LabCorp
Classification: Benign. Last evaluated: 2026-01-22. Review status: criteria provided, single submitter. Criteria: LabCorp Variant Classification Summary - May 2015. Collection method: clinical testing. Allele origin: germline.

Mayo Clinic Laboratories, Mayo Clinic
Classification: Benign. Last evaluated: 2023-06-16. Review status: criteria provided, single submitter. Criteria: ACMG Guidelines, 2015. Collection method: clinical testing. Allele origin: germline. Observed: 7 variant alleles.
Comment: BA1, BP4, BP7

GeneDx
Classification: Benign. Last evaluated: 2020-12-04. Review status: criteria provided, single submitter. Criteria: GeneDx Variant Classification Process June 2021. Collection method: clinical testing. Allele origin: germline. Affected: yes.

Genome Diagnostics Laboratory, The Hospital for Sick Children
Classification: Benign for Ehlers-Danlos syndrome. Last evaluated: 2020-07-10. Review status: criteria provided, single submitter. Criteria: ACMG Guidelines, 2015. Collection method: clinical testing. Allele origin: germline.

Ambry Genetics
Classification: Benign for Cardiovascular phenotype. Last evaluated: 2019-06-10. Review status: criteria provided, single submitter. Criteria: Ambry Variant Classification Scheme 2023. Collection method: clinical testing. Allele origin: germline.